The following is an entry in ClinVar:

NM_006005.3(WFS1):c.888C>A (p.Ile296=)

Gene: WFS1 (wolframin ER transmembrane glycoprotein; plus strand). Cytogenetic location: 4p16.1.
Variant type: single nucleotide variant.
Coding change: c.888C>A on transcript NM_006005.3 (MANE Select); coding-DNA position 888, C replaced by A.
Protein change: p.Ile296=; no amino-acid change (isoleucine 296 retained).
Molecular consequence: synonymous variant.
Genome position (GRCh38, 1-based): chr4:6,300,683, C>A. VCF-style: chr4-6300683-C-A. GRCh37 (hg19) VCF-style: chr4-6302410-C-A.
Other names: c.888C>A, p.Ile296= (NM_001145853.1).
Identifiers: ClinVar variation 1321139 (VCV001321139.8), dbSNP rs772556132, ClinGen allele CA2839139.

ClinVar aggregate classification (germline): Conflicting classifications of pathogenicity. Review status: criteria provided, conflicting classifications (1 of 4 stars). 3 submissions from 3 submitters: Uncertain significance (1); Likely benign (2). Last evaluated 2025-10-14.

Allele frequency attached by ClinVar (database versions not stated): ExAC 0.00002; TOPMed 0.00003; gnomAD 0.00004 and 0.00005; gnomAD exomes 0.00004.

Submissions (3):

Labcorp Genetics (formerly Invitae), Labcorp
Classification: Likely benign. Last evaluated: 2025-10-14. Review status: criteria provided, single submitter. Criteria: Invitae Variant Classification Sherloc (09022015). Collection method: clinical testing. Allele origin: germline.

GeneDx
Classification: Uncertain significance. Last evaluated: 2024-12-13. Review status: criteria provided, single submitter. Criteria: GeneDx Variant Classification Process June 2021. Collection method: clinical testing. Allele origin: germline. Affected: yes.
Comment: Has not been previously published as pathogenic or benign to our knowledge; In silico analysis indicates that this variant does not alter splicing

Blueprint Genetics
Classification: Likely benign. Last evaluated: 2019-10-08. Review status: criteria provided, single submitter. Criteria: ACMG Guidelines, 2015. Collection method: clinical testing. Allele origin: germline.